The following is an entry in ClinVar:

ClinVar aggregate classification (germline): Uncertain significance (1 of 4 stars; one submission).

gnomAD v4.1: 52 of 1,612,782 alleles (0.0032%); highest among the groups gnomAD compares: Non-Finnish European, 0.0041%; no homozygotes.

Submission:

GeneDx
Classification: Uncertain significance. Last evaluated: 2026-10-10. Review status: criteria provided, single submitter. Criteria: GeneDx Variant Classification Process June 2021. Collection method: clinical testing. Allele origin: germline.
Comment: Not observed at significant frequency in large population cohorts (gnomAD); In silico analysis suggests that this missense variant does not alter protein structure/function; Has not been previously published as pathogenic or benign to our knowledge

NM_020751.3(COG6):c.289G>A (p.Val97Met)

Gene: COG6 (component of oligomeric golgi complex 6; plus strand). Cytogenetic location: 13q14.11.
Variant type: single nucleotide variant.
Coding change: c.289G>A on transcript NM_020751.3 (MANE Select); coding-DNA position 289, G replaced by A.
Protein change: p.Val97Met; replaces valine 97 with methionine.
Molecular consequence: missense variant. On other transcripts: non-coding transcript variant (1).
Genome position (GRCh38, 1-based): chr13:39,659,499, G>A. VCF-style: chr13-39659499-G-A. GRCh37 (hg19) VCF-style: chr13-40233636-G-A.
Other names: c.289G>A, p.Val97Met (NM_001145079.2); short protein forms V97M.
Identifiers: ClinVar variation 3901337 (VCV003901337.2).